The following is an entry in ClinVar:

ClinVar aggregate classification (germline): Uncertain significance. Review status: criteria provided, multiple submitters, no conflicts (2 of 4 stars). 2 submissions from 2 submitters: Uncertain significance (2). Last evaluated 2021-12-01.

Conditions:
Inborn genetic diseases. Identifiers: MedGen C0950123, MeSH D030342.

Allele frequency attached by ClinVar (database versions not stated): gnomAD exomes below 0.00001; ExAC 0.00001; gnomAD 0.00001.
gnomAD v4.1: 7 of 1,614,068 alleles (0.00043%); highest among the groups gnomAD compares: Admixed American, 0.0017%; no homozygotes.

Submissions (2):

CeGaT Center for Human Genetics Tuebingen
Classification: Uncertain significance. Last evaluated: 2021-12-01. Review status: criteria provided, single submitter. Criteria: CeGaT Center For Human Genetics Tuebingen Variant Classification Criteria Version 2. Collection method: clinical testing. Allele origin: germline. Affected: yes. Observed: 1 variant allele.

Ambry Genetics
Classification: Uncertain significance for Inborn genetic diseases. Last evaluated: 2021-01-28. Review status: criteria provided, single submitter. Criteria: Ambry Variant Classification Scheme 2023. Collection method: clinical testing. Allele origin: germline.
Comment: The c.1379C>T (p.S460L) alteration is located in exon 18 (coding exon 18) of the CAMK2A gene. This alteration results from a C to T substitution at nucleotide position 1379, causing the serine (S) at amino acid position 460 to be replaced by a leucine (L). The p.S460L alteration is predicted to be tolerated by in silico analysis. Based on insufficient or conflicting evidence, the clinical significance of this alteration remains unclear.

NM_015981.4(CAMK2A):c.1379C>T (p.Ser460Leu)

Gene: CAMK2A (calcium/calmodulin dependent protein kinase II alpha; minus strand). Cytogenetic location: 5q32.
Variant type: single nucleotide variant.
Coding change: c.1379C>T on transcript NM_015981.4 (MANE Select); coding-DNA position 1379, C replaced by T.
Protein change: p.Ser460Leu; replaces serine 460 with leucine.
Molecular consequence: missense variant.
Genome position (GRCh38, 1-based): chr5:150,223,076, G>A on the plus strand (C>T on the coding strand, the complement: CAMK2A is on the minus strand). VCF-style: chr5-150223076-G-A. GRCh37 (hg19) VCF-style: chr5-149602639-G-A.
Other names: c.1379C>T (NM_015981.3); c.1379C>T, p.Ser460Leu (NM_001363989.1); c.1346C>T, p.Ser449Leu (NM_001363990.1, NM_001369025.2, NM_171825.3); short protein forms S449L, S460L.
Identifiers: ClinVar variation 1335604 (VCV001335604.37), dbSNP rs777247730, ClinGen allele CA3509497.